The following is an entry in ClinVar:

ClinVar aggregate classification (germline): Uncertain significance (1 of 4 stars; one submission).

Conditions:
Familial temporal lobe epilepsy 7. Identifiers: Orphanet 101046, MedGen C4225327, MONDO:0014639, OMIM 616436.
Norman-Roberts syndrome (LIS2). Also called: Lissencephaly 2 (Norman-Roberts type). Identifiers: Orphanet 89844, MedGen C0796089, MONDO:0009760, OMIM 257320.

Allele frequency attached by ClinVar (database versions not stated): ExAC 0.00001; gnomAD 0.00001; gnomAD exomes 0.00001.
gnomAD v4.1: 9 of 1,613,986 alleles (0.00056%); no homozygotes.

Submission:

Labcorp Genetics (formerly Invitae), Labcorp
Classification: Uncertain significance for Familial temporal lobe epilepsy 7; Norman-Roberts syndrome. Last evaluated: 2023-08-17. Review status: criteria provided, single submitter. Criteria: Invitae Variant Classification Sherloc (09022015). Collection method: clinical testing. Allele origin: germline.
Comment: In summary, the available evidence is currently insufficient to determine the role of this variant in disease. Therefore, it has been classified as a Variant of Uncertain Significance. Advanced modeling of protein sequence and biophysical properties (such as structural, functional, and spatial information, amino acid conservation, physicochemical variation, residue mobility, and thermodynamic stability) performed at Invitae indicates that this missense variant is not expected to disrupt RELN protein function. ClinVar contains an entry for this variant (Variation ID: 2035188). This variant has not been reported in the literature in individuals affected with RELN-related conditions. This variant is present in population databases (rs747453309, gnomAD 0.02%). This sequence change replaces tryptophan, which is neutral and slightly polar, with arginine, which is basic and polar, at codon 2906 of the RELN protein (p.Trp2906Arg).

NM_005045.4(RELN):c.8716T>C (p.Trp2906Arg)

Genes: RELN (reelin; minus strand), SLC26A5-AS1 (SLC26A5 antisense RNA 1; plus strand). Cytogenetic location: 7q22.1.
Variant type: single nucleotide variant.
Coding change: c.8716T>C on transcript NM_005045.4 (MANE Select); coding-DNA position 8716, T replaced by C.
Protein change: p.Trp2906Arg; replaces tryptophan 2906 with arginine.
Molecular consequence: missense variant.
Genome position (GRCh38, 1-based): chr7:103,498,204, A>G on the plus strand (T>C on the coding strand, the complement: RELN is on the minus strand). VCF-style: chr7-103498204-A-G. GRCh37 (hg19) VCF-style: chr7-103138651-A-G.
Other names: c.8716T>C, p.Trp2906Arg (NM_173054.3); short protein forms W2906R.
Identifiers: ClinVar variation 2035188 (VCV002035188.4), dbSNP rs747453309, ClinGen allele CA4420394.